The following is an entry in ClinVar:

NM_017636.4(TRPM4):c.652G>C (p.Glu218Gln)

Gene: TRPM4 (transient receptor potential cation channel subfamily M member 4; plus strand). Cytogenetic location: 19q13.33.
Variant type: single nucleotide variant.
Coding change: c.652G>C on transcript NM_017636.4 (MANE Select); coding-DNA position 652, G replaced by C.
Protein change: p.Glu218Gln; replaces glutamic acid 218 with glutamine.
Molecular consequence: missense variant. On other transcripts: 5 prime UTR variant (2).
Genome position (GRCh38, 1-based): chr19:49,168,592, G>C. VCF-style: chr19-49168592-G-C. GRCh37 (hg19) VCF-style: chr19-49671849-G-C.
Other names: c.652G>C, p.Glu218Gln (NM_001195227.2); c.307G>C, p.Glu103Gln (NM_001321281.2); c.-902G>C (NM_001321282.2); c.130G>C, p.Glu44Gln (NM_001321283.2); c.-198G>C (NM_001321285.2); c.652G>C (NM_017636.3); short protein forms E103Q, E218Q, E44Q.
Identifiers: ClinVar variation 1384264 (VCV001384264.7), dbSNP rs747502300, ClinGen allele CA9568905.

ClinVar aggregate classification (germline): Uncertain significance. Review status: criteria provided, multiple submitters, no conflicts (2 of 4 stars). 2 submissions from 2 submitters: Uncertain significance (2). Last evaluated 2023-12-22.

Conditions:
Cardiovascular phenotype. Identifiers: MedGen CN230736.
Progressive familial heart block type IB (PFHB1B). Identifiers: Orphanet 871, MedGen C1970298, MONDO:0011474, OMIM 604559.

Allele frequency attached by ClinVar (database versions not stated): gnomAD exomes below 0.00001; TOPMed below 0.00001; ExAC 0.00001; gnomAD 0.00001.
gnomAD v4.1: 3 of 1,613,668 alleles (0.00019%); highest among the groups gnomAD compares: Non-Finnish European, 0.00025%; no homozygotes.

Submissions (2):

Ambry Genetics
Classification: Uncertain significance for Cardiovascular phenotype. Last evaluated: 2023-12-22. Review status: criteria provided, single submitter. Criteria: Ambry Variant Classification Scheme 2023. Collection method: clinical testing. Allele origin: germline.

Labcorp Genetics (formerly Invitae), Labcorp
Classification: Uncertain significance for Progressive familial heart block type IB. Last evaluated: 2022-07-29. Review status: criteria provided, single submitter. Criteria: Invitae Variant Classification Sherloc (09022015). Collection method: clinical testing. Allele origin: germline.
Comment: This sequence change replaces glutamic acid, which is acidic and polar, with glutamine, which is neutral and polar, at codon 218 of the TRPM4 protein (p.Glu218Gln). This variant is present in population databases (rs747502300, gnomAD 0.002%). This variant has not been reported in the literature in individuals affected with TRPM4-related conditions. ClinVar contains an entry for this variant (Variation ID: 1384264). Algorithms developed to predict the effect of missense changes on protein structure and function output the following: SIFT: "Tolerated"; PolyPhen-2: "Benign"; Align-GVGD: "Class C0". The glutamine amino acid residue is found in multiple mammalian species, which suggests that this missense change does not adversely affect protein function. In summary, the available evidence is currently insufficient to determine the role of this variant in disease. Therefore, it has been classified as a Variant of Uncertain Significance.